The following is an entry in ClinVar:

NM_006019.4(TCIRG1):c.1305+3G>A

Gene: TCIRG1 (T cell immune regulator 1, ATPase H+ transporting V0 subunit a3; plus strand). Cytogenetic location: 11q13.2.
Variant type: single nucleotide variant.
Coding change: c.1305+3G>A on transcript NM_006019.4 (MANE Select); 3 bases into the intron after coding-DNA position 1305, G replaced by A.
Molecular consequence: intron variant.
Genome position (GRCh38, 1-based): chr11:68,047,575, G>A. VCF-style: chr11-68047575-G-A. GRCh37 (hg19) VCF-style: chr11-67815042-G-A.
Other names: c.411+3G>A (NM_001351059.2); c.657+3G>A (NM_006053.4).
Identifiers: ClinVar variation 2150583 (VCV002150583.4), dbSNP rs759141191, ClinGen allele CA6147053.

ClinVar aggregate classification (germline): Uncertain significance. Review status: criteria provided, multiple submitters, no conflicts (2 of 4 stars). 2 submissions from 2 submitters: Uncertain significance (2). Last evaluated 2025-12-01.

Allele frequency attached by ClinVar (database versions not stated): gnomAD 0.00004; gnomAD exomes 0.00006; ExAC 0.00011.
gnomAD v4.1: 92 of 1,613,542 alleles (0.0057%); highest among the groups gnomAD compares: South Asian, 0.096%; 1 homozygote.

Submissions (2):

Labcorp Genetics (formerly Invitae), Labcorp
Classification: Uncertain significance. Last evaluated: 2025-12-01. Review status: criteria provided, single submitter. Criteria: Invitae Variant Classification Sherloc (09022015). Collection method: clinical testing. Allele origin: germline.
Comment: This sequence change falls in intron 11 of the TCIRG1 gene. It does not directly change the encoded amino acid sequence of the TCIRG1 protein. It affects a nucleotide within the consensus splice site. This variant is present in population databases (rs759141191, gnomAD 0.07%). This variant has not been reported in the literature in individuals affected with TCIRG1-related conditions. ClinVar contains an entry for this variant (Variation ID: 2150583). Variants that disrupt the consensus splice site are a relatively common cause of aberrant splicing (PMID: 17576681, 9536098). Algorithms developed to predict the effect of sequence changes on RNA splicing suggest that this variant is not likely to affect RNA splicing. In summary, the available evidence is currently insufficient to determine the role of this variant in disease. Therefore, it has been classified as a Variant of Uncertain Significance.

Women's Health and Genetics/Laboratory Corporation of America, LabCorp
Classification: Uncertain significance. Last evaluated: 2025-01-19. Review status: criteria provided, single submitter. Criteria: LabCorp Variant Classification Summary - May 2015. Collection method: clinical testing. Allele origin: germline.

Literature cited by the submitters: PubMed 17576681 (cited by Labcorp Genetics (formerly Invitae), Labcorp); PubMed 9536098 (cited by Labcorp Genetics (formerly Invitae), Labcorp).